The following is an entry in ClinVar:

NM_001458.5(FLNC):c.2707G>A (p.Asp903Asn)

Gene: FLNC (filamin C; plus strand). Cytogenetic location: 7q32.1.
Variant type: single nucleotide variant.
Coding change: c.2707G>A on transcript NM_001458.5 (MANE Select); coding-DNA position 2707, G replaced by A.
Protein change: p.Asp903Asn; replaces aspartic acid 903 with asparagine.
Molecular consequence: missense variant.
Genome position (GRCh38, 1-based): chr7:128,843,473, G>A. VCF-style: chr7-128843473-G-A. GRCh37 (hg19) VCF-style: chr7-128483527-G-A.
Other names: c.2707G>A, p.Asp903Asn (NM_001127487.2); short protein forms D903N.
Identifiers: ClinVar variation 854139 (VCV000854139.10), dbSNP rs781591239, ClinGen allele CA369192972.
Genomic context (GRCh38, chr7:128,843,473, plus strand): 5'-GAAGTCGGGAAGCCCACCCACTTCACGGTGCTGACCAAGGGAGCCGGCAAGGCCAAGCTG[G>A]ATGTGCAGTTTGCAGGGACAGCCAAGGGCGAGGTTGTGCGGGACTTTGAGATCATAGACA-3'
Protein context (NP_001449.3, residues 893-913): LTKGAGKAKL[Asp903Asn]VQFAGTAKGE

ClinVar aggregate classification (germline): Uncertain significance (1 of 4 stars; one submission).

Conditions:
Myofibrillar myopathy 5. Also called: FILAMINOPATHY, AUTOSOMAL DOMINANT; Filaminopathy (type). Identifiers: Orphanet 171445, MedGen C1836050, MONDO:0012289, OMIM 609524.
Distal myopathy with posterior leg and anterior hand involvement. Also called: WILLIAMS DISTAL MYOPATHY. Identifiers: Orphanet 63273, MedGen C3279722, MONDO:0013550, OMIM 614065.
Hypertrophic cardiomyopathy 26. Also called: Cardiomyopathy, familial hypertrophic, 26. Identifiers: Orphanet 75249, MedGen C4310749, MONDO:0014883, OMIM 617047.

Submission:

Labcorp Genetics (formerly Invitae), Labcorp
Classification: Uncertain significance for Distal myopathy with posterior leg and anterior hand involvement; Myofibrillar myopathy 5; Hypertrophic cardiomyopathy 26. Last evaluated: 2025-01-29. Review status: criteria provided, single submitter. Criteria: Invitae Variant Classification Sherloc (09022015). Collection method: clinical testing. Allele origin: germline.
Comment: This sequence change replaces aspartic acid, which is acidic and polar, with asparagine, which is neutral and polar, at codon 903 of the FLNC protein (p.Asp903Asn). This variant is not present in population databases (gnomAD no frequency). This missense change has been observed in individual(s) with hypertrophic cardiomyopathy (internal data). ClinVar contains an entry for this variant (Variation ID: 854139). Invitae Evidence Modeling of protein sequence and biophysical properties (such as structural, functional, and spatial information, amino acid conservation, physicochemical variation, residue mobility, and thermodynamic stability) has been performed for this missense variant. However, the output from this modeling did not meet the statistical confidence thresholds required to predict the impact of this variant on FLNC protein function. In summary, the available evidence is currently insufficient to determine the role of this variant in disease. Therefore, it has been classified as a Variant of Uncertain Significance.